The following is an entry in ClinVar:

NM_001128425.2(MUTYH):c.188G>A (p.Gly63Glu)

Gene: MUTYH (mutY DNA glycosylase; minus strand). Cytogenetic location: 1p34.1.
Variant type: single nucleotide variant.
Coding change: c.188G>A on transcript NM_001128425.2 (MANE Plus Clinical); coding-DNA position 188, G replaced by A.
Protein change: p.Gly63Glu; replaces glycine 63 with glutamic acid.
Molecular consequence: missense variant. On other transcripts: intron variant (10).
Genome position (GRCh38, 1-based): chr1:45,333,573, C>T on the plus strand (G>A on the coding strand, the complement: MUTYH is on the minus strand). VCF-style: chr1-45333573-C-T. GRCh37 (hg19) VCF-style: chr1-45799245-C-T.
Other names: c.137G>A, p.Gly46Glu (NM_001293191.2); c.179G>A, p.Gly60Glu (NM_012222.3); c.-92-76G>A (NM_001350651.2); c.-97-76G>A (NM_001293192.2, NM_001293196.2); c.-156-12G>A (NM_001350650.2); c.116-12G>A (NM_001048171.2, NM_001048173.2, NM_001048174.2 and 1 more transcripts); c.158-9G>A (NM_001293190.2); c.116-9G>A (NM_001048172.2); short protein forms G63E, G60E, G46E.
Identifiers: ClinVar variation 479981 (VCV000479981.20), dbSNP rs763693540, ClinGen allele CA340136766.

ClinVar aggregate classification (germline): Conflicting classifications of pathogenicity. Review status: criteria provided, conflicting classifications (1 of 4 stars). 6 submissions from 6 submitters: Uncertain significance (5); Likely benign (1). Last evaluated 2025-08-03.

Conditions:
Hereditary cancer-predisposing syndrome. Also called: Hereditary neoplastic syndrome; Hereditary Cancer Syndrome; Neoplastic Syndromes, Hereditary; Tumor predisposition. Identifiers: Orphanet 140162, MedGen C0027672, MeSH D009386, MONDO:0015356.
Familial adenomatous polyposis 2. Also called: MYH-associated polyposis; COLORECTAL ADENOMATOUS POLYPOSIS, AUTOSOMAL RECESSIVE; ADENOMAS, MULTIPLE COLORECTAL, AUTOSOMAL RECESSIVE; MUTYH-related attenuated familial adenomatous polyposis; Adenomas, multiple colorectal; FAP type 2. Identifiers: Orphanet 220460, Orphanet 247798, MedGen C3272841, MONDO:0012041, OMIM 608456.

gnomAD v4.1: 4 of 1,612,798 alleles (0.00025%); highest among the groups gnomAD compares: African/African-American, 0.0027%; no homozygotes.

Submissions (6):

Labcorp Genetics (formerly Invitae), Labcorp
Classification: Uncertain significance for Familial adenomatous polyposis 2. Last evaluated: 2025-08-03. Review status: criteria provided, single submitter. Criteria: Invitae Variant Classification Sherloc (09022015). Collection method: clinical testing. Allele origin: germline.
Comment: This sequence change replaces glycine, which is neutral and non-polar, with glutamic acid, which is acidic and polar, at codon 63 of the MUTYH protein (p.Gly63Glu). This variant is present in population databases (no rsID available, gnomAD 0.003%). This variant has not been reported in the literature in individuals affected with MUTYH-related conditions. ClinVar contains an entry for this variant (Variation ID: 479981). An algorithm developed to predict the effect of missense changes on protein structure and function outputs the following: PolyPhen-2: "Benign". The glutamic acid amino acid residue is found in multiple mammalian species, which suggests that this missense change does not adversely affect protein function. In summary, the available evidence is currently insufficient to determine the role of this variant in disease. Therefore, it has been classified as a Variant of Uncertain Significance.

Women's Health and Genetics/Laboratory Corporation of America, LabCorp
Classification: Uncertain significance. Last evaluated: 2024-11-02. Review status: criteria provided, single submitter. Criteria: LabCorp Variant Classification Summary - May 2015. Collection method: clinical testing. Allele origin: germline.

All of Us Research Program, National Institutes of Health
Classification: Uncertain significance for Familial adenomatous polyposis 2. Last evaluated: 2024-01-11. Review status: criteria provided, single submitter. Criteria: ACMG Guidelines, 2015. Collection method: clinical testing. Allele origin: germline. Inheritance: Autosomal recessive inheritance. Observed: 4 variant alleles, 4 heterozygotes.
Comment: This missense variant replaces glycine with glutamic acid at codon 63 of the MUTYH protein. Computational prediction suggests that this variant may not impact protein structure and function (internally defined REVEL score threshold <= 0.5, PMID: 27666373). Splice site prediction tools suggest that this variant may not impact RNA splicing. To our knowledge, functional studies have not been performed for this variant. This variant has not been reported in individuals affected with hereditary cancer in the literature. This variant has been identified in 1/250496 chromosomes in the general population by the Genome Aggregation Database (gnomAD). The available evidence is insufficient to determine the role of this variant in disease conclusively. Therefore, this variant is classified as a Variant of Uncertain Significance.

This study involves interpretation of variants in research participants for the purpose of population health screening. Participant phenotype was not available at the time of variant classification. Additional details can be found in publication PMID: 35346344, PMCID: PMC8962531

GeneDx
Classification: Uncertain significance. Last evaluated: 2022-08-24. Review status: criteria provided, single submitter. Criteria: GeneDx Variant Classification Process June 2021. Collection method: clinical testing. Allele origin: germline. Affected: yes.
Comment: Not observed at significant frequency in large population cohorts (gnomAD); In silico analysis supports that this missense variant does not alter protein structure/function; Has not been previously published as pathogenic or benign to our knowledge; In-silico analysis is inconclusive as to whether the variant alters gene splicing. In the absence of RNA/functional studies, the actual effect of this sequence change is unknown.

Color Diagnostics, LLC DBA Color Health
Classification: Uncertain significance for Hereditary cancer-predisposing syndrome. Last evaluated: 2019-11-27. Review status: criteria provided, single submitter. Criteria: ACMG Guidelines, 2015. Collection method: clinical testing. Allele origin: germline.
Comment: This missense variant replaces glycine with glutamic acid at codon 63 of the MUTYH protein. Computational prediction suggests that this variant may not impact protein structure and function (internally defined REVEL score threshold <= 0.5, PMID: 27666373). Splice site prediction tools suggest that this variant may not impact RNA splicing. To our knowledge, functional studies have not been performed for this variant. This variant has not been reported in individuals affected with hereditary cancer in the literature. This variant has been identified in 1/250496 chromosomes in the general population by the Genome Aggregation Database (gnomAD). The available evidence is insufficient to determine the role of this variant in disease conclusively. Therefore, this variant is classified as a Variant of Uncertain Significance.

Ambry Genetics
Classification: Likely benign for Hereditary cancer-predisposing syndrome. Last evaluated: 2018-12-01. Review status: criteria provided, single submitter. Criteria: Ambry Variant Classification Scheme 2023. Collection method: clinical testing. Allele origin: germline.